The following is an entry in ClinVar:

ClinVar aggregate classification (germline): Uncertain significance (1 of 4 stars; one submission).

Submission:

GeneDx
Classification: Uncertain significance. Last evaluated: 2022-11-29. Review status: criteria provided, single submitter. Criteria: GeneDx Variant Classification Process June 2021. Collection method: clinical testing. Allele origin: germline. Affected: yes.
Comment: Frameshift variant predicted to result in protein truncation or nonsense mediated decay in a gene or region of a gene for which loss of function is not a well-established mechanism of disease; Not observed at significant frequency in large population cohorts (gnomAD); Has not been previously published as pathogenic or benign to our knowledge; Variants in candidate genes are classified as variants of uncertain significance in accordance with ACMG guidelines (Richards et al., 2015)

NM_001037283.2(EIF3B):c.517del (p.Leu173fs)

Gene: EIF3B (eukaryotic translation initiation factor 3 subunit B; plus strand). Cytogenetic location: 7p22.3.
Variant type: Deletion.
Coding change: c.517del on transcript NM_001037283.2 (MANE Select); coding-DNA position 517, one base deleted (C; older notation c.517delC).
Protein change: p.Leu173fs; shifts the reading frame from leucine 173.
Molecular consequence: frameshift variant. On other transcripts: 5 prime UTR variant (2).
Genome position (GRCh38, 1-based): chr7:2,360,727, C deleted. VCF-style (leftmost placement, unchanged base first): chr7-2360726-AC-A. GRCh37 (hg19) VCF-style: chr7-2400361-AC-A.
Other names: c.517del, p.Leu173fs (NM_001362791.2, NM_003751.4); c.-300del (NM_001362792.2, NM_001362793.2); short protein forms L173fs.
Identifiers: ClinVar variation 4529705 (VCV004529705.1).